The following is an entry in ClinVar:

ClinVar aggregate classification (germline): Uncertain significance (1 of 4 stars; one submission).

Conditions:
HOXA1-related syndrome. Also called: Human HOXA1 syndromes; HOXA1-related condition; HOXA1-related disorder; HOXA1-Related Disorders. Identifiers: MedGen CN381531, MONDO:0011099.

Submission:

Daryl Scott Lab, Baylor College of Medicine
Classification: Uncertain significance for HOXA1-related disorder. Review status: criteria provided, single submitter. Criteria: ACMG Guidelines, 2015. Collection method: clinical testing. Allele origin: unknown. Affected: yes.
Comment: PM2, PP3

NM_005522.5(HOXA1):c.769G>A (p.Ala257Thr)

Gene: HOXA1 (homeobox A1; minus strand). Cytogenetic location: 7p15.2.
Variant type: single nucleotide variant.
Coding change: c.769G>A on transcript NM_005522.5 (MANE Select); coding-DNA position 769, G replaced by A.
Protein change: p.Ala257Thr; replaces alanine 257 with threonine.
Molecular consequence: missense variant. On other transcripts: 3 prime UTR variant (1).
Genome position (GRCh38, 1-based): chr7:27,094,679, C>T on the plus strand (G>A on the coding strand, the complement: HOXA1 is on the minus strand). VCF-style: chr7-27094679-C-T. GRCh37 (hg19) VCF-style: chr7-27134298-C-T.
Other names: c.*152G>A (NM_153620.3); short protein forms A257T.
Identifiers: ClinVar variation 4279661 (VCV004279661.1).